The following is an entry in ClinVar:

ClinVar aggregate classification (germline): Likely pathogenic (1 of 4 stars; one submission).

Conditions:
Spondylocarpotarsal synostosis syndrome (SCT). Also called: SPONDYLOCARPOTARSAL SYNDROME; VERTEBRAL FUSION WITH CARPAL COALITION; Spondylocarpotarsal Synostosis Syndrome (FLNB-SCT); Synspondylism congenital; Scoliosis, congenital with unilateral unsegmented bar. Identifiers: Orphanet 3275, MedGen C1848934, MONDO:0010094, OMIM 272460.

Submission:

Juno Genomics, Hangzhou Juno Genomics, Inc
Classification: Likely pathogenic for Spondylocarpotarsal synostosis syndrome. Review status: criteria provided, single submitter. Criteria: ACMG Guidelines, 2015. Collection method: clinical testing. Allele origin: germline.
Comment: Null variant in a gene where loss of function (LOF) is a known mechanism of disease.;Absent from controls (or at extremely low frequency if recessive) in Genome Aggregation Database.

NM_001457.4(FLNB):c.5129_5130del (p.Thr1710fs)

Gene: FLNB (filamin B; plus strand). Cytogenetic location: 3p14.3.
Variant type: Microsatellite.
Coding change: c.5129_5130del on transcript NM_001457.4 (MANE Select); coding-DNA positions 5129 to 5130, 2 bases deleted (CA; older notation c.5129_5130delCA).
Protein change: p.Thr1710fs; shifts the reading frame from threonine 1710.
Molecular consequence: frameshift variant. On other transcripts: intron variant (1).
Genome position (GRCh38, 1-based): chr3:58,141,877-58,141,878, CA deleted; deleting any 2 consecutive bases within chr3:58,141,875-58,141,878 gives the same sequence; the c. name uses the placement nearest the transcript's 3' end. VCF-style (leftmost placement, unchanged base first): chr3-58141874-TCA-T. GRCh37 (hg19) VCF-style: chr3-58127601-TCA-T.
Other names: c.5222_5223del, p.Thr1741fs (NM_001164317.2); c.5129_5130del, p.Thr1710fs (NM_001164318.2); c.5110-773_5110-772del (NM_001164319.2); short protein forms T1741fs, T1710fs.
Identifiers: ClinVar variation 5006682 (VCV005006682.2).